The following is an entry in ClinVar:

ClinVar aggregate classification (germline): Uncertain significance (1 of 4 stars; one submission).

Conditions:
Mitochondrial DNA depletion syndrome 13. Also called: FBXL4-Related Encephalomyopathic Mitochondrial DNA Depletion Syndrome; Mitochondrial DNA depletion syndrome 13 (encephalomyopathic type). Identifiers: Orphanet 369897, MedGen C3809592, MONDO:0014198, OMIM 615471.

Allele frequency attached by ClinVar (database versions not stated): gnomAD exomes below 0.00001; ExAC 0.00001; gnomAD 0.00001; TOPMed 0.00001; ESP Exome Variant Server 0.00008.
gnomAD v4.1: 1 of 1,613,840 alleles (0.000062%); highest among the groups gnomAD compares: African/African-American, 0.0013%; no homozygotes.

Submission:

Wong Mito Lab, Molecular and Human Genetics, Baylor College of Medicine
Classification: Uncertain significance for Mitochondrial DNA depletion syndrome 13. Last evaluated: 2017-08-10. Review status: criteria provided, single submitter. Criteria: ACMG Guidelines, 2015. Collection method: reference population. Allele origin: germline.
Comment: The NM_012160.4:c.937C>T (NP_036292.2:p.His313Tyr) [GRCH38: NC_000006.12:g.98905592G>A] variant in FBXL4 gene is interpretated to be a Uncertain Significance - Insufficient Evidence based on ACMG guidelines (PMID: 25741868). This variant meets one or more of the following evidence codes reported in the ACMG-guideline. PM2:This variant is absent in key population databases. Based on this evidence code ClinGen Pathogenicity Calculator (PMID:28081714) suggested that the variant is Uncertain Significance - Insufficient Evidence.

NM_001278716.2(FBXL4):c.937C>T (p.His313Tyr)

Gene: FBXL4 (F-box and leucine rich repeat protein 4; minus strand). Cytogenetic location: 6q16.2.
Variant type: single nucleotide variant.
Coding change: c.937C>T on transcript NM_001278716.2 (MANE Select); coding-DNA position 937, C replaced by T.
Protein change: p.His313Tyr; replaces histidine 313 with tyrosine.
Molecular consequence: missense variant. On other transcripts: non-coding transcript variant (2).
Genome position (GRCh38, 1-based): chr6:98,905,592, G>A on the plus strand (C>T on the coding strand, the complement: FBXL4 is on the minus strand). VCF-style: chr6-98905592-G-A. GRCh37 (hg19) VCF-style: chr6-99353468-G-A.
Other names: c.937C>T, p.His313Tyr (NM_012160.5); short protein forms H313Y.
Identifiers: ClinVar variation 437660 (VCV000437660.1), dbSNP rs372150490, ClinGen allele CA3933579.